The following is an entry in ClinVar:

NM_001318734.2(KLC2):c.1648C>T (p.Arg550Trp)

Gene: KLC2 (kinesin light chain 2; plus strand). Cytogenetic location: 11q13.2.
Variant type: single nucleotide variant.
Coding change: c.1648C>T on transcript NM_001318734.2 (MANE Select); coding-DNA position 1648, C replaced by T.
Protein change: p.Arg550Trp; replaces arginine 550 with tryptophan.
Molecular consequence: missense variant.
Genome position (GRCh38, 1-based): chr11:66,266,138, C>T. VCF-style: chr11-66266138-C-T. GRCh37 (hg19) VCF-style: chr11-66033609-C-T.
Other names: c.1417C>T, p.Arg473Trp (NM_001134774.2); c.1648C>T, p.Arg550Trp (NM_001134775.2, NM_001134776.2, NM_022822.3); short protein forms R473W, R550W.
Identifiers: ClinVar variation 3771820 (VCV003771820.13).

ClinVar aggregate classification (germline): Uncertain significance (1 of 4 stars; one submission).

gnomAD v4.1: 8 of 1,613,724 alleles (0.0005%); highest among the groups gnomAD compares: East Asian, 0.0045%; no homozygotes.

Submission:

CeGaT Center for Human Genetics Tuebingen
Classification: Uncertain significance. Last evaluated: 2025-01-01. Review status: criteria provided, single submitter. Criteria: CeGaT Center For Human Genetics Tuebingen Variant Classification Criteria Version 2. Collection method: clinical testing. Allele origin: germline. Affected: yes. Observed: 1 variant allele.
Comment: KLC2: PM2, PP2, PP3